The following is an entry in ClinVar:

NC_000010.10:g.(?_14976692)_(14996009_?)del

Gene: DCLRE1C (DNA cross-link repair 1C; minus strand). Cytogenetic location: 10p13.
Variant type: Deletion.
Identifiers: ClinVar variation 2423515 (VCV002423515.4).

ClinVar aggregate classification (germline): Pathogenic (1 of 4 stars; one submission).

Conditions:
Severe combined immunodeficiency due to DCLRE1C deficiency (RS-SCID). Also called: SCID, AUTOSOMAL RECESSIVE, T CELL-NEGATIVE, B CELL-NEGATIVE, NK CELL-POSITIVE, WITH SENSITIVITY TO IONIZING RADIATION. Identifiers: Orphanet 275, MedGen C1865371, MONDO:0011225, OMIM 602450.

Submission:

Labcorp Genetics (formerly Invitae), Labcorp
Classification: Pathogenic for Athabaskan severe combined immunodeficiency. Last evaluated: 2021-11-02. Review status: criteria provided, single submitter. Criteria: Invitae Variant Classification Sherloc (09022015). Collection method: clinical testing. Allele origin: germline.
Comment: This variant is a gross deletion of the genomic region encompassing exon(s) 1-7 of the DCLRE1C gene, which includes the initiator codon. This deletion extends beyond the assayed region for this gene and therefore may encompass additional genes. It is expected to result in an absent or disrupted protein product. Loss-of-function variants in DCLRE1C are known to be pathogenic (PMID: 21664875, 26123418). This variant has not been reported in the literature in individuals affected with DCLRE1C-related conditions. For these reasons, this variant has been classified as Pathogenic.

Literature cited by the submitters: PubMed 21664875; PubMed 26123418.